The following is an entry in ClinVar:

NM_001453.3(FOXC1):c.235C>T (p.Pro79Ser)

Genes: FOXC1 (forkhead box C1; plus strand), LOC129995601 (ATAC-STARR-seq lymphoblastoid active region 23864; plus strand). Cytogenetic location: 6p25.3.
Variant type: single nucleotide variant.
Coding change: c.235C>T on transcript NM_001453.3 (MANE Select); coding-DNA position 235, C replaced by T.
Protein change: p.Pro79Ser; replaces proline 79 with serine.
Molecular consequence: missense variant.
Genome position (GRCh38, 1-based): chr6:1,610,680, C>T. VCF-style: chr6-1610680-C-T. GRCh37 (hg19) VCF-style: chr6-1610915-C-T.
Other names: short protein forms P79S.
Identifiers: ClinVar variation 537388 (VCV000537388.7), dbSNP rs1554100945, ClinGen allele CA362558369.

ClinVar aggregate classification (germline): Uncertain significance (1 of 4 stars; one submission).

Conditions:
Axenfeld-Rieger syndrome type 3 (RIEG3). Also called: AXENFELD-RIEGER ANOMALY WITH CARDIAC DEFECTS AND/OR SENSORINEURAL HEARING LOSS. Identifiers: Orphanet 782, MedGen C2678503, MONDO:0011233, OMIM 602482.

Submission:

Labcorp Genetics (formerly Invitae), Labcorp
Classification: Uncertain significance for Axenfeld-Rieger syndrome type 3. Last evaluated: 2017-12-23. Review status: criteria provided, single submitter. Criteria: Invitae Variant Classification Sherloc (09022015). Collection method: clinical testing. Allele origin: germline.
Comment: In summary, the available evidence is currently insufficient to determine the role of this variant in disease. Therefore, it has been classified as a Variant of Uncertain Significance. Different missense substitutions at this codon (p.Pro79Leu, p.Pro79Thr, and p.Pro79Arg) have been reported in individuals affected with anterior segment dysgenesis and Axenfeld-Rieger syndrome (PMID: 11170889, 16936096), and at least one (p.Pro79Thr) has been determined to be pathogenic (PMID: 14506133, 27124303, 11589884). This suggests that the proline residue is critical for FOXC1 protein function and that other missense substitutions at this position may also be pathogenic. Algorithms developed to predict the effect of missense changes on protein structure and function (SIFT, PolyPhen-2, Align-GVGD) all suggest that this variant is likely to be disruptive, but these predictions have not been confirmed by published functional studies and their clinical significance is uncertain. This variant has not been reported in the literature in individuals with FOXC1-related disease. This variant is not present in population databases (ExAC no frequency). This sequence change replaces proline with serine at codon 79 of the FOXC1 protein (p.Pro79Ser). The proline residue is highly conserved and there is a moderate physicochemical difference between proline and serine.

Literature cited by the submitters: PubMed 11170889; PubMed 16936096; PubMed 14506133; PubMed 27124303; PubMed 11589884.